The following is an entry in ClinVar:

ClinVar aggregate classification (germline): Uncertain significance (1 of 4 stars; one submission).

Allele frequency attached by ClinVar (database versions not stated): TOPMed below 0.00001; gnomAD 0.00001; gnomAD exomes 0.00001 and 0.00004; ExAC 0.00014.
gnomAD v4.1: 20 of 1,561,940 alleles (0.0013%); highest among the groups gnomAD compares: Admixed American, 0.0038%; no homozygotes.

Submission:

Labcorp Genetics (formerly Invitae), Labcorp
Classification: Uncertain significance. Last evaluated: 2025-01-06. Review status: criteria provided, single submitter. Criteria: Invitae Variant Classification Sherloc (09022015). Collection method: clinical testing. Allele origin: germline.
Comment: This sequence change replaces alanine, which is neutral and non-polar, with valine, which is neutral and non-polar, at codon 36 of the SAMD11 protein (p.Ala36Val). This variant is present in population databases (rs776005293, gnomAD 0.06%). This variant has not been reported in the literature in individuals affected with SAMD11-related conditions. ClinVar contains an entry for this variant (Variation ID: 1478180). An algorithm developed to predict the effect of missense changes on protein structure and function (PolyPhen-2) suggests that this variant¬†is likely to be tolerated. In summary, the available evidence is currently insufficient to determine the role of this variant in disease. Therefore, it has been classified as a Variant of Uncertain Significance.

NM_001385641.1(SAMD11):c.644C>T (p.Ala215Val)

Gene: SAMD11 (sterile alpha motif domain containing 11; plus strand). Cytogenetic location: 1p36.33.
Variant type: single nucleotide variant.
Coding change: c.644C>T on transcript NM_001385641.1 (MANE Select); coding-DNA position 644, C replaced by T.
Protein change: p.Ala215Val; replaces alanine 215 with valine.
Molecular consequence: missense variant.
Genome position (GRCh38, 1-based): chr1:930,189, C>T. VCF-style: chr1-930189-C-T. GRCh37 (hg19) VCF-style: chr1-865569-C-T.
Other names: c.644C>T, p.Ala215Val (NM_001385640.1); c.107C>T, p.Ala36Val (NM_152486.4); short protein forms A36V, A215V.
Identifiers: ClinVar variation 1478180 (VCV001478180.7), dbSNP rs776005293, ClinGen allele CA502423.